The following is an entry in ClinVar:

ClinVar aggregate classification (germline): Uncertain significance. Review status: criteria provided, single submitter (1 of 4 stars). 2 submissions from 2 submitters: Uncertain significance (1). 1 of the submissions does not count toward it. Last evaluated 2025-06-22.

Conditions:
Polyglandular autoimmune syndrome, type 1 (APS1). Also called: AUTOIMMUNE POLYENDOCRINE SYNDROME, TYPE I, WITH OR WITHOUT REVERSIBLE METAPHYSEAL DYSPLASIA; Autoimmune polyendocrinopathy syndrome, type I; Autoimmune polyendocrine syndrome type 1; Whitaker syndrome; Autoimmune polyendocrinopathy syndrome , type I, with or without reversible metaphyseal dysplasia; HYPOADRENOCORTICISM WITH HYPOPARATHYROIDISM AND SUPERFICIAL MONILIASIS. Identifiers: Orphanet 3453, MedGen C0085859, MONDO:0009411, OMIM 240300.

Allele frequency attached by ClinVar (database versions not stated): gnomAD exomes below 0.00001.
gnomAD v4.1: 1 of 1,535,698 alleles (0.000065%); highest among the groups gnomAD compares: Non-Finnish European, 0.000087%; no homozygotes.

Submissions (2):

Labcorp Genetics (formerly Invitae), Labcorp
Classification: Uncertain significance for Polyglandular autoimmune syndrome, type 1. Last evaluated: 2025-06-22. Review status: criteria provided, single submitter. Criteria: Invitae Variant Classification Sherloc (09022015). Collection method: clinical testing. Allele origin: germline.
Comment: This sequence change replaces arginine, which is basic and polar, with tryptophan, which is neutral and slightly polar, at codon 9 of the AIRE protein (p.Arg9Trp). This variant is not present in population databases (gnomAD no frequency). This missense change has been observed in individual(s) with clinical features of autoimmune lymphoproliferative syndrome (PMID: 34573280). ClinVar contains an entry for this variant (Variation ID: 973615). Invitae Evidence Modeling of protein sequence and biophysical properties (such as structural, functional, and spatial information, amino acid conservation, physicochemical variation, residue mobility, and thermodynamic stability) indicates that this missense variant is not expected to disrupt AIRE protein function with a negative predictive value of 95%. In summary, the available evidence is currently insufficient to determine the role of this variant in disease. Therefore, it has been classified as a Variant of Uncertain Significance.

UOSD Laboratory of Genetics & Genomics of Rare Diseases, Istituto Giannina Gaslini
Classification: Likely pathogenic for Polyglandular autoimmune syndrome, type 1. Last evaluated: 2020-05-21. Review status: no assertion criteria provided. Collection method: clinical testing. Allele origin: germline. Affected: yes. Observed: 1 variant allele. Not counted in ClinVar's aggregate classification.

Literature cited by the submitters: PubMed 34573280 (cited by Labcorp Genetics (formerly Invitae), Labcorp).

NM_000383.4(AIRE):c.25C>T (p.Arg9Trp)

Gene: AIRE (autoimmune regulator; plus strand). Cytogenetic location: 21q22.3.
Variant type: single nucleotide variant.
Coding change: c.25C>T on transcript NM_000383.4 (MANE Select); coding-DNA position 25, C replaced by T.
Protein change: p.Arg9Trp; replaces arginine 9 with tryptophan.
Molecular consequence: missense variant.
Genome position (GRCh38, 1-based): chr21:44,286,031, C>T. VCF-style: chr21-44286031-C-T. GRCh37 (hg19) VCF-style: chr21-45705914-C-T.
Other names: short protein forms R9W.
Identifiers: ClinVar variation 973615 (VCV000973615.2), dbSNP rs1942959342, ClinGen allele CA410422957.
Genomic context (GRCh38, chr21:44,286,031, plus strand): 5'-GCGTCCGCCCCAGCCCCGGGTCCCCGCGCCCACCCCATGGCGACGGACGCGGCGCTACGC[C>T]GGCTTCTGAGGCTGCACCGCACGGAGATCGCGGTGGCCGTGGACAGCGCCTTCCCACTGC-3'
Protein context (NP_000374.1, residues 1-19): MATDAALR[Arg9Trp]LLRLHRTEIA